The following is an entry in ClinVar:

NM_014625.4(NPHS2):c.1049del (p.Leu350fs)

Genes: AXDND1 (axonemal dynein light chain domain containing 1; plus strand), NPHS2 (NPHS2 stomatin family member, podocin; minus strand). Cytogenetic location: 1q25.2.
Variant type: Deletion.
Coding change: c.1049del on transcript NM_014625.4 (MANE Select); coding-DNA position 1049, one base deleted (T; older notation c.1049delT).
Protein change: p.Leu350fs; shifts the reading frame from leucine 350.
Molecular consequence: frameshift variant. On other transcripts: intron variant (1).
Genome position (GRCh38, 1-based): chr1:179,551,276, A deleted on the plus strand (T on the coding strand, the reverse complement: NPHS2 is on the minus strand). VCF-style (leftmost placement, unchanged base first): chr1-179551275-CA-C. GRCh37 (hg19) VCF-style: chr1-179520410-CA-C.
Other names: c.845del, p.Leu282fs (NM_001297575.2); c.3032-3236del (NM_144696.6); short protein forms L282fs, L350fs.
Identifiers: ClinVar variation 2677349 (VCV002677349.2), dbSNP rs1168903863, ClinGen allele CA527598174.

ClinVar aggregate classification (germline): Conflicting classifications of pathogenicity. Review status: criteria provided, conflicting classifications (1 of 4 stars). 2 submissions from 2 submitters: Likely pathogenic (1); Uncertain significance (1). Last evaluated 2026-05-06.

Conditions:
Nephrotic syndrome, type 2 (NPHS2). Also called: NEPHROTIC SYNDROME, STEROID-RESISTANT, AUTOSOMAL RECESSIVE. Identifiers: Orphanet 656, MedGen C1868672, MONDO:0010974, OMIM 600995.

Allele frequency attached by ClinVar (database versions not stated): gnomAD exomes below 0.00001.

Submissions (2):

Myriad Genetics, Inc.
Classification: Uncertain significance for Nephrotic syndrome, type 2. Last evaluated: 2026-05-06. Review status: criteria provided, single submitter. Criteria: Myriad Autosomal Dominant, Autosomal Recessive and X-Linked Classification Criteria (2023). Collection method: clinical testing. Allele origin: unknown.
Comment: NM_014625.2(NPHS2):c.1049delT(L350Rfs*24) is a frameshift variant classified as a variant of uncertain significance in the context of nephrotic syndrome, NPHS2-related. L350Rfs*24 has not been observed in cases with relevant disease. Relevant functional assessments of this variant are not available in the literature. L350Rfs*24 has been observed in referenced population frequency databases. In summary, there is insufficient evidence to classify NM_014625.2(NPHS2):c.1049delT(L350Rfs*24) as pathogenic or benign. Please note: this variant was assessed in the context of healthy population screening.

Baylor Genetics
Classification: Likely pathogenic for Nephrotic syndrome, type 2. Last evaluated: 2023-02-14. Review status: criteria provided, single submitter. Criteria: ACMG Guidelines, 2015. Collection method: clinical testing. Allele origin: unknown.